The following is an entry in ClinVar:

NM_054012.4(ASS1):c.765C>T (p.Asn255=)

Gene: ASS1 (argininosuccinate synthase 1; plus strand). Cytogenetic location: 9q34.11.
Variant type: single nucleotide variant.
Coding change: c.765C>T on transcript NM_054012.4 (MANE Select); coding-DNA position 765, C replaced by T.
Protein change: p.Asn255=; no amino-acid change (asparagine 255 retained).
Molecular consequence: synonymous variant.
Genome position (GRCh38, 1-based): chr9:130,479,792, C>T. VCF-style: chr9-130479792-C-T. GRCh37 (hg19) VCF-style: chr9-133355179-C-T.
Other names: c.765C>T, p.Asn255= (NM_000050.4).
Identifiers: ClinVar variation 385432 (VCV000385432.20), dbSNP rs375579096, ClinGen allele CA5283451.
Genomic context (GRCh38, chr9:130,479,792, plus strand): 5'-GACCAACGTCAAGGATGGCACCACCCACCAGACCTCCTTGGAGCTCTTCATGTACCTGAA[C>T]GAAGTCGCGTGAGTGTCTGCAGCCCTGTCCGGCCTCTTGGGAACCGCCGTCTCGGGCGAG-3'
Protein context (NP_446464.1, residues 245-265): QTSLELFMYL[Asn255=]EVAGKHGVGR

ClinVar aggregate classification (germline): Conflicting classifications of pathogenicity. Review status: criteria provided, conflicting classifications (1 of 4 stars). 6 submissions from 6 submitters: Uncertain significance (1); Likely benign (3). 2 of the submissions do not count toward it. Last evaluated 2026-02-01.

Conditions:
ASS1-related disorder. Also called: ASS1-related condition.
Inborn genetic diseases. Identifiers: MedGen C0950123, MeSH D030342.
Citrullinemia. Identifiers: Orphanet 187, MedGen C0175683, MONDO:0015991.

Allele frequency attached by ClinVar (database versions not stated): ExAC 0.00006; gnomAD exomes 0.00012 and 0.00025; TOPMed 0.00012; gnomAD 0.00017 and 0.00020; ESP Exome Variant Server 0.00023.
gnomAD v4.1: 401 of 1,613,906 alleles (0.025%); highest among the groups gnomAD compares: Non-Finnish European, 0.031%; no homozygotes.

Submissions (6):

Labcorp Genetics (formerly Invitae), Labcorp
Classification: Likely benign for Citrullinemia. Last evaluated: 2026-02-01. Review status: criteria provided, single submitter. Criteria: Invitae Variant Classification Sherloc (09022015). Collection method: clinical testing. Allele origin: germline.

Ambry Genetics
Classification: Likely benign for Inborn genetic diseases. Last evaluated: 2025-04-10. Review status: criteria provided, single submitter. Criteria: Ambry Variant Classification Scheme 2023. Collection method: clinical testing. Allele origin: germline.

Eurofins Ntd Llc (ga)
Classification: Uncertain significance. Last evaluated: 2017-04-18. Review status: criteria provided, single submitter. Criteria: EGL Classification Definitions 2015. Collection method: clinical testing. Allele origin: germline. Observed: 1 variant allele, 1 heterozygote.

GeneDx
Classification: Likely benign. Last evaluated: 2016-04-19. Review status: criteria provided, single submitter. Criteria: GeneDx Variant Classification (06012015). Collection method: clinical testing. Allele origin: germline. Affected: yes.
Comment: This variant is considered likely benign or benign based on one or more of the following criteria: it is a conservative change, it occurs at a poorly conserved position in the protein, it is predicted to be benign by multiple in silico algorithms, and/or has population frequency not consistent with disease.

Natera, Inc.
Classification: Likely benign for Citrullinemia. Last evaluated: 2020-09-16. Review status: no assertion criteria provided. Collection method: clinical testing. Allele origin: germline. Not counted in ClinVar's aggregate classification.

PreventionGenetics, part of Exact Sciences
Classification: Likely benign for ASS1-related condition. Last evaluated: 2019-06-24. Review status: no assertion criteria provided. Collection method: clinical testing. Allele origin: germline. Not counted in ClinVar's aggregate classification.
Comment: This variant is classified as likely benign based on ACMG/AMP sequence variant interpretation guidelines (Richards et al. 2015 PMID: 25741868, with internal and published modifications).